The following is an entry in ClinVar:

ClinVar aggregate classification (germline): Uncertain significance (1 of 4 stars; one submission).

Submission:

GeneDx
Classification: Uncertain significance. Last evaluated: 2025-07-23. Review status: criteria provided, single submitter. Criteria: GeneDx Variant Classification Process June 2021. Collection method: clinical testing. Allele origin: germline. Affected: yes.
Comment: Not observed at significant frequency in large population cohorts (gnomAD); Frameshift variant predicted to result in protein truncation or nonsense mediated decay in a gene or region of a gene for which loss of function is not a well-established mechanism of disease; Has not been previously published as pathogenic or benign to our knowledge

NM_003931.3(WASF1):c.1257dup (p.Val420fs)

Gene: WASF1 (WASP family member 1; minus strand). Cytogenetic location: 6q21.
Variant type: Duplication.
Coding change: c.1257dup on transcript NM_003931.3 (MANE Select); coding-DNA position 1257, one base duplicated (A; older notation c.1257dupA).
Protein change: p.Val420fs; shifts the reading frame from valine 420.
Molecular consequence: frameshift variant.
Genome position (GRCh38, 1-based): chr6:110,101,853, T duplicated on the plus strand (A on the coding strand, the reverse complement: WASF1 is on the minus strand); the first of 2 consecutive T bases (chr6:110,101,853-110,101,854); duplicating either gives the same sequence. VCF-style (leftmost placement, unchanged base first): chr6-110101852-C-CT. GRCh37 (hg19) VCF-style: chr6-110423055-C-CT.
Other names: c.1257dup, p.Val420fs (NM_001024936.2, NM_001024934.2, NM_001024935.2); short protein forms V420fs.
Identifiers: ClinVar variation 4687074 (VCV004687074.1).
Genomic context (GRCh38, chr6:110,101,852, plus strand): 5'-ATGGTCGAATGCCAGGTGGAGGCAGAGGAGGCGGTGGTGGGGGTGGAGGCAGCCCCTGAA[C>CT]TTCACCTTGTGGGAGTGGATGAACTGGTACAGTCTCACATACTGGGGCAGCTCTAGCTAC-3'